The following is an entry in ClinVar:

NM_002087.4(GRN):c.971C>T (p.Ala324Val)

Gene: GRN (granulin precursor; plus strand). Cytogenetic location: 17q21.31.
Variant type: single nucleotide variant.
Coding change: c.971C>T on transcript NM_002087.4 (MANE Select); coding-DNA position 971, C replaced by T.
Protein change: p.Ala324Val; replaces alanine 324 with valine.
Molecular consequence: missense variant.
Genome position (GRCh38, 1-based): chr17:44,351,587, C>T. VCF-style: chr17-44351587-C-T. GRCh37 (hg19) VCF-style: chr17-42428955-C-T.
Other names: short protein forms A324V.
Identifiers: ClinVar variation 2636477 (VCV002636477.2), dbSNP rs758636128, ClinGen allele CA8602079.
Genomic context (GRCh38, chr17:44,351,587, plus strand): 5'-CTGCCCTTCTTCATCTGCCCTAGGCTGTGTGCTGTGAGGACCACATACACTGCTGTCCCG[C>T]GGGGTTTACGTGTGACACGCAGAAGGGTACCTGTGAACAGGGGCCCCACCAGGTGCCCTG-3'
Protein context (NP_002078.1, residues 314-334): CCEDHIHCCP[Ala324Val]GFTCDTQKGT

ClinVar aggregate classification (germline): Uncertain significance. Review status: criteria provided, multiple submitters, no conflicts (2 of 4 stars). 2 submissions from 2 submitters: Uncertain significance (2). Last evaluated 2025-05-04.

Conditions:
Neuronal ceroid lipofuscinosis 11. Also called: GRN-Related Neuronal Ceroid-Lipofuscinosis. Identifiers: Orphanet 314629, Orphanet 79262, MedGen C3539123, MONDO:0013866, OMIM 614706.
GRN-related frontotemporal lobar degeneration with Tdp43 inclusions (FTD2). Also called: FRONTOTEMPORAL DEMENTIA WITH TDP43 INCLUSIONS, GRN-RELATED; DEMENTIA, HEREDITARY DYSPHASIC DISINHIBITION; FRONTOTEMPORAL LOBAR DEGENERATION WITH UBIQUITIN-POSITIVE INCLUSIONS; FTLD-TDP, GRN-RELATED; GRN Frontotemporal Dementia. Identifiers: Orphanet 100070, Orphanet 282, MedGen C1843792, MONDO:0011842, OMIM 607485. Disease mechanism: loss of function.
GRN-related disorder. Also called: GRN-related condition; GRN-related disorders.

Allele frequency attached by ClinVar (database versions not stated): gnomAD 0.00001; gnomAD exomes 0.00001; TOPMed 0.00001; ExAC 0.00003.
gnomAD v4.1: 19 of 1,613,882 alleles (0.0012%); highest among the groups gnomAD compares: South Asian, 0.0022%; no homozygotes.

Submissions (2):

Labcorp Genetics (formerly Invitae), Labcorp
Classification: Uncertain significance for Neuronal ceroid lipofuscinosis 11; GRN-related frontotemporal lobar degeneration with Tdp43 inclusions. Last evaluated: 2025-05-04. Review status: criteria provided, single submitter. Criteria: Invitae Variant Classification Sherloc (09022015). Collection method: clinical testing. Allele origin: germline.
Comment: This sequence change replaces alanine, which is neutral and non-polar, with valine, which is neutral and non-polar, at codon 324 of the GRN protein (p.Ala324Val). This variant is present in population databases (rs758636128, gnomAD 0.004%). This missense change has been observed in individual(s) with clinical features of n Alzheimer’s disease (PMID: 35120450). ClinVar contains an entry for this variant (Variation ID: 2636477). Invitae Evidence Modeling of protein sequence and biophysical properties (such as structural, functional, and spatial information, amino acid conservation, physicochemical variation, residue mobility, and thermodynamic stability) indicates that this missense variant is not expected to disrupt GRN protein function with a negative predictive value of 80%. In summary, the available evidence is currently insufficient to determine the role of this variant in disease. Therefore, it has been classified as a Variant of Uncertain Significance.

PreventionGenetics, part of Exact Sciences
Classification: Uncertain significance for GRN-related condition. Last evaluated: 2023-02-14. Review status: criteria provided, single submitter. Criteria: ACMG Guidelines, 2015. Collection method: clinical testing. Allele origin: germline.
Comment: The GRN c.971C>T variant is predicted to result in the amino acid substitution p.Ala324Val. This variant was reported in an individual with positive family history for Alzheimer disease (Pagnon de la Vega et al 2022. PubMed ID: 35120450). This variant is reported in 0.0044% of alleles in individuals of European (Non-Finnish) descent in gnomAD. At this time, the clinical significance of this variant is uncertain due to the absence of conclusive functional and genetic evidence.

Literature cited by the submitters: PubMed 35120450 (cited by Labcorp Genetics (formerly Invitae), Labcorp).